The following is an entry in ClinVar:

ClinVar aggregate classification (germline): Uncertain significance (1 of 4 stars; one submission).

Submission:

Women's Health and Genetics/Laboratory Corporation of America, LabCorp
Classification: Uncertain significance. Last evaluated: 2023-07-24. Review status: criteria provided, single submitter. Criteria: LabCorp Variant Classification Summary - May 2015. Collection method: clinical testing. Allele origin: germline.
Comment: Variant summary: PLA2G6 c.1630A>C (p.Met544Leu) results in a conservative amino acid change located in the Patatin-like phospholipase domain (IPR002641) of the encoded protein sequence. Four of five in-silico tools predict a benign effect of the variant on protein function. The variant was absent in 251264 control chromosomes (gnomAD). The available data on variant occurrences in the general population are insufficient to allow any conclusion about variant significance. To our knowledge, no occurrence of c.1630A>C in individuals affected with Neurodegeneration With Brain Iron Accumulation and no experimental evidence demonstrating its impact on protein function have been reported. Other variants affecting the same residue have been classified likely pathogenic in ClinVar (p.Met544Leu CV ID:2017072, p.Met544Val CV ID:2130085). No submitters have cited clinical-significance assessments for this variant to ClinVar after 2014. Based on the evidence outlined above, the variant was classified as uncertain significance.

NM_003560.4(PLA2G6):c.1630A>C (p.Met544Leu)

Gene: PLA2G6 (phospholipase A2 group VI; minus strand). Cytogenetic location: 22q13.1.
Variant type: single nucleotide variant.
Coding change: c.1630A>C on transcript NM_003560.4 (MANE Select); coding-DNA position 1630, A replaced by C.
Protein change: p.Met544Leu; replaces methionine 544 with leucine.
Molecular consequence: missense variant.
Genome position (GRCh38, 1-based): chr22:38,120,871, T>G on the plus strand (A>C on the coding strand, the complement: PLA2G6 is on the minus strand). VCF-style: chr22-38120871-T-G. GRCh37 (hg19) VCF-style: chr22-38516878-T-G.
Other names: c.1468A>C, p.Met490Leu (NM_001004426.3, NM_001199562.3, NM_001349865.2 and 1 more transcripts); c.1630A>C, p.Met544Leu (NM_001349864.2); c.1096A>C, p.Met366Leu (NM_001349867.2); c.952A>C, p.Met318Leu (NM_001349868.2); c.934A>C, p.Met312Leu (NM_001349869.2); short protein forms M312L, M318L, M366L, M490L, M544L.
Identifiers: ClinVar variation 2577395 (VCV002577395.1), dbSNP rs2517951819, ClinGen allele CA411527572.